The following is an entry in ClinVar:

NM_031924.8(RSPH3):c.-48T>A

Gene: RSPH3 (radial spoke head 3; minus strand). Cytogenetic location: 6q25.3.
Variant type: single nucleotide variant.
Coding change: c.-48T>A on transcript NM_031924.8 (MANE Select); 48 bases upstream of the start codon, T replaced by A.
Molecular consequence: 5 prime UTR variant. On other transcripts: missense variant (1), non-coding transcript variant (1).
Genome position (GRCh38, 1-based): chr6:158,999,598, A>T on the plus strand (T>A on the coding strand, the complement: RSPH3 is on the minus strand). VCF-style: chr6-158999598-A-T. GRCh37 (hg19) VCF-style: chr6-159420630-A-T.
Other names: c.379T>A, p.Cys127Ser (NM_001346418.1); short protein forms C127S.
Identifiers: ClinVar variation 542472 (VCV000542472.11), dbSNP rs151230376, ClinGen allele CA4076032.

ClinVar aggregate classification (germline): Uncertain significance. Review status: criteria provided, multiple submitters, no conflicts (2 of 4 stars). 2 submissions from 2 submitters: Uncertain significance (2). Last evaluated 2024-10-28.

Conditions:
Primary ciliary dyskinesia 32. Also called: CILIARY DYSKINESIA, PRIMARY, 32, WITHOUT SITUS INVERSUS. Identifiers: Orphanet 244, MedGen C4225311, MONDO:0014657, OMIM 616481.

Allele frequency attached by ClinVar (database versions not stated): ExAC 0.00012; gnomAD exomes 0.00013 and 0.00017; ESP Exome Variant Server 0.00015; 1000 Genomes Project 30x 0.00016; gnomAD 0.00018 and 0.00019; TOPMed 0.00019; 1000 Genomes Project 0.00020.
gnomAD v4.1: 280 of 1,610,638 alleles (0.017%); highest among the groups gnomAD compares: Middle Eastern, 0.083%; no homozygotes.

Submissions (2):

Blueprint Genetics
Classification: Uncertain significance. Last evaluated: 2024-10-28. Review status: criteria provided, single submitter. Criteria: ACMG Guidelines, 2015. Collection method: clinical testing. Allele origin: germline.

Labcorp Genetics (formerly Invitae), Labcorp
Classification: Uncertain significance for Primary ciliary dyskinesia 32. Last evaluated: 2024-01-19. Review status: criteria provided, single submitter. Criteria: Invitae Variant Classification Sherloc (09022015). Collection method: clinical testing. Allele origin: germline.
Comment: This sequence change replaces cysteine, which is neutral and slightly polar, with serine, which is neutral and polar, at codon 127 of the RSPH3 protein (p.Cys127Ser). This variant is present in population databases (rs151230376, gnomAD 0.02%). This variant has not been reported in the literature in individuals affected with RSPH3-related conditions. ClinVar contains an entry for this variant (Variation ID: 542472). An algorithm developed to predict the effect of missense changes on protein structure and function (PolyPhen-2) suggests that this variant is likely to be disruptive. In summary, the available evidence is currently insufficient to determine the role of this variant in disease. Therefore, it has been classified as a Variant of Uncertain Significance.